The following is an entry in ClinVar:

NM_005876.5(SPEG):c.2440+4G>A

Gene: SPEG (striated muscle enriched protein kinase; plus strand). Cytogenetic location: 2q35.
Variant type: single nucleotide variant.
Coding change: c.2440+4G>A on transcript NM_005876.5 (MANE Select); 4 bases into the intron after coding-DNA position 2440, G replaced by A.
Molecular consequence: intron variant.
Genome position (GRCh38, 1-based): chr2:219,451,811, G>A. VCF-style: chr2-219451811-G-A. GRCh37 (hg19) VCF-style: chr2-220316533-G-A.
Identifiers: ClinVar variation 1938594 (VCV001938594.5), dbSNP rs1307494948, ClinGen allele CA539631267.

ClinVar aggregate classification (germline): Uncertain significance (1 of 4 stars; one submission).

Allele frequency attached by ClinVar (database versions not stated): gnomAD exomes below 0.00001.
gnomAD v4.1: 1 of 1,532,226 alleles (0.000065%); highest among the groups gnomAD compares: South Asian, 0.0012%; no homozygotes.

Submission:

Labcorp Genetics (formerly Invitae), Labcorp
Classification: Uncertain significance. Last evaluated: 2022-07-19. Review status: criteria provided, single submitter. Criteria: Invitae Variant Classification Sherloc (09022015). Collection method: clinical testing. Allele origin: germline.
Comment: In summary, the available evidence is currently insufficient to determine the role of this variant in disease. Therefore, it has been classified as a Variant of Uncertain Significance. Variants that disrupt the consensus splice site are a relatively common cause of aberrant splicing (PMID: 17576681, 9536098). Algorithms developed to predict the effect of sequence changes on RNA splicing suggest that this variant is not likely to affect RNA splicing. This variant has not been reported in the literature in individuals affected with SPEG-related conditions. This variant is not present in population databases (gnomAD no frequency). This sequence change falls in intron 6 of the SPEG gene. It does not directly change the encoded amino acid sequence of the SPEG protein. It affects a nucleotide within the consensus splice site.

Literature cited by the submitters: PubMed 17576681; PubMed 9536098.